The following is an entry in ClinVar:

ClinVar aggregate classification (germline): Likely benign. Review status: criteria provided, multiple submitters, no conflicts (2 of 4 stars). 3 submissions from 3 submitters: Likely benign (3). Last evaluated 2025-02-23.

Conditions:
Cardiovascular phenotype. Identifiers: MedGen CN230736.
Familial hypobetalipoproteinemia 1. Also called: Hypobetalipoproteinemia, normotriglyceridemic; Acanthocytosis with hypobetalipoproteinemia; APOB-Related Familial Hypobetalipoproteinemia. Identifiers: MedGen C4551990, MONDO:0014252, OMIM 615558.
Hypercholesterolemia, autosomal dominant, type B (FHCL2). Also called: Familial Hypercholesterolemia Type B; HYPERCHOLESTEROLEMIA, FAMILIAL, DUE TO LIGAND-DEFECTIVE APOLIPOPROTEIN B; Familial hypercholesterolemia 2; APOB-Related Familial Hypercholesterolemia, Autosomal Dominant; APOLIPOPROTEIN B-100, FAMILIAL DEFECTIVE; APOLIPOPROTEIN B-100, FAMILIAL LIGAND-DEFECTIVE. Identifiers: MedGen C1704417, MONDO:0007751, OMIM 144010.
Familial hypercholesterolemia. Also called: Familial hypercholesterolemias; Familial hypercholesterolaemia. Identifiers: MedGen C0020445, MONDO:0005439.

Allele frequency attached by ClinVar (database versions not stated): gnomAD exomes below 0.00001.
gnomAD v4.1: 1 of 1,614,144 alleles (0.000062%); highest among the groups gnomAD compares: Middle Eastern, 0.016%; no homozygotes.

Submissions (3):

Labcorp Genetics (formerly Invitae), Labcorp
Classification: Likely benign for Familial hypobetalipoproteinemia 1; Hypercholesterolemia, autosomal dominant, type B. Last evaluated: 2025-02-23. Review status: criteria provided, single submitter. Criteria: Invitae Variant Classification Sherloc (09022015). Collection method: clinical testing. Allele origin: germline.

GENinCode PLC
Classification: Likely benign for Familial hypercholesterolemia. Last evaluated: 2024-06-06. Review status: criteria provided, single submitter. Criteria: ACMG Guidelines, 2015. Collection method: clinical testing. Allele origin: germline.
Comment: This is a synonymous (silent) variant that is not predicted by SpliceAI to impact splicing. In addition, it occurs at a nucleotide that is not conserved. Therefore this variant has been classified as Likely Benign (BP4, BP7).

Ambry Genetics
Classification: Likely benign for Cardiovascular phenotype. Last evaluated: 2022-06-22. Review status: criteria provided, single submitter. Criteria: Ambry Variant Classification Scheme 2023. Collection method: clinical testing. Allele origin: germline.

NM_000384.3(APOB):c.994C>T (p.Leu332=)

Gene: APOB (apolipoprotein B; minus strand). Cytogenetic location: 2p24.1.
Variant type: single nucleotide variant.
Coding change: c.994C>T on transcript NM_000384.3 (MANE Select); coding-DNA position 994, C replaced by T.
Protein change: p.Leu332=; no amino-acid change (leucine 332 retained).
Molecular consequence: synonymous variant.
Genome position (GRCh38, 1-based): chr2:21,033,429, G>A on the plus strand (C>T on the coding strand, the complement: APOB is on the minus strand). VCF-style: chr2-21033429-G-A. GRCh37 (hg19) VCF-style: chr2-21256301-G-A.
Identifiers: ClinVar variation 920362 (VCV000920362.10), dbSNP rs766104996, ClinGen allele CA43461488.
Genomic context (GRCh38, chr2:21,033,429, plus strand): 5'-CCAGCTTATTGAAGAGATTAGCTCTCTGGATATTTTGCTCAGAGATGGTTAGTTTTTTCA[G>A]TTCCTGGAGAGTCTTCAAAACAGCTTCGGCCTGCTTTGGAGGTGATGTGGATTTGGTGCT-3'
Protein context (NP_000375.3, residues 322-342): AEAVLKTLQE[Leu332=]KKLTISEQNI